The following is an entry in ClinVar:

NM_016599.5(MYOZ2):c.314C>G (p.Pro105Arg)

Gene: MYOZ2 (myozenin 2; plus strand). Cytogenetic location: 4q26.
Variant type: single nucleotide variant.
Coding change: c.314C>G on transcript NM_016599.5 (MANE Select); coding-DNA position 314, C replaced by G.
Protein change: p.Pro105Arg; replaces proline 105 with arginine.
Molecular consequence: missense variant.
Genome position (GRCh38, 1-based): chr4:119,158,089, C>G. VCF-style: chr4-119158089-C-G. GRCh37 (hg19) VCF-style: chr4-120079244-C-G.
Other names: p.P105R:CCC>CGC; short protein forms P105R.
Identifiers: ClinVar variation 213657 (VCV000213657.2), dbSNP rs863223717, ClinGen allele CA324264.

ClinVar aggregate classification (germline): Uncertain significance (1 of 4 stars; one submission).

Submission:

GeneDx
Classification: Uncertain significance. Last evaluated: 2015-01-14. Review status: criteria provided, single submitter. Criteria: GeneDx Variant Classification (06012015). Collection method: clinical testing. Allele origin: germline. Affected: yes.
Comment: p.Pro105Arg (CCC>CGC): c.314 C>G in exon 4 of the MYOZ2 gene (NM_016599.4). A variant of unknown significance has been identified in the MYOZ2 gene. The P105R variant has not been published as a mutation nor as a benign polymorphism to our knowledge. The P105R variant was not observed in approximately 6,500 individuals of European and African American ancestry in the NHLBI Exome Sequencing Project, indicating it is not a common benign variant in these populations. The P105R variant is a non-conservative amino acid substitution, which is likely to impact secondary protein structure as these residues differ in polarity, charge, size and/or other properties. This substitution occurs at a position that is conserved across species. In silico analysis predicts this variant is probably damaging to the protein structure/function. However, missense mutations in nearby residues have not been reported, indicating this region of the protein may tolerate change. Therefore, based on the currently available information, it is unclear whether this variant is a pathogenic mutation or a rare benign variantThis variant was found in CARDIOMYOPATHY